The following is an entry in ClinVar:

ClinVar aggregate classification (germline): Uncertain significance (1 of 4 stars; one submission).

Allele frequency attached by ClinVar (database versions not stated): ExAC 0.00001; gnomAD exomes 0.00001.

Submission:

Labcorp Genetics (formerly Invitae), Labcorp
Classification: Uncertain significance. Last evaluated: 2024-09-17. Review status: criteria provided, single submitter. Criteria: Invitae Variant Classification Sherloc (09022015). Collection method: clinical testing. Allele origin: germline.
Comment: This sequence change replaces asparagine, which is neutral and polar, with serine, which is neutral and polar, at codon 239 of the GNB1 protein (p.Asn239Ser). This variant is present in population databases (rs760166038, gnomAD 0.006%). This variant has not been reported in the literature in individuals affected with GNB1-related conditions. ClinVar contains an entry for this variant (Variation ID: 1396844). Invitae Evidence Modeling of protein sequence and biophysical properties (such as structural, functional, and spatial information, amino acid conservation, physicochemical variation, residue mobility, and thermodynamic stability) indicates that this missense variant is not expected to disrupt GNB1 protein function with a negative predictive value of 80%. In summary, the available evidence is currently insufficient to determine the role of this variant in disease. Therefore, it has been classified as a Variant of Uncertain Significance.

NM_002074.5(GNB1):c.716A>G (p.Asn239Ser)

Gene: GNB1 (G protein subunit beta 1; minus strand). Cytogenetic location: 1p36.33.
Variant type: single nucleotide variant.
Coding change: c.716A>G on transcript NM_002074.5 (MANE Select); coding-DNA position 716, A replaced by G.
Protein change: p.Asn239Ser; replaces asparagine 239 with serine.
Molecular consequence: missense variant.
Genome position (GRCh38, 1-based): chr1:1,789,253, T>C on the plus strand (A>G on the coding strand, the complement: GNB1 is on the minus strand). VCF-style: chr1-1789253-T-C. GRCh37 (hg19) VCF-style: chr1-1720692-T-C.
Other names: c.416A>G, p.Asn139Ser (NM_001282538.2); c.716A>G, p.Asn239Ser (NM_001282539.2); short protein forms N139S, N239S.
Identifiers: ClinVar variation 1396844 (VCV001396844.6), dbSNP rs760166038, ClinGen allele CA531946.